The following is an entry in ClinVar:

ClinVar aggregate classification (germline): Uncertain significance (1 of 4 stars; one submission).

Allele frequency attached by ClinVar (database versions not stated): gnomAD exomes 0.00001.
gnomAD v4.1: 10 of 1,614,186 alleles (0.00062%); highest among the groups gnomAD compares: Non-Finnish European, 0.00085%; no homozygotes.

Submission:

GeneDx
Classification: Uncertain significance. Last evaluated: 2019-12-18. Review status: criteria provided, single submitter. Criteria: GeneDx Variant Classification Process June 2021. Collection method: clinical testing. Allele origin: germline. Affected: yes.
Comment: Not observed in large population cohorts (Lek et al., 2016); In silico analysis, which includes protein predictors and evolutionary conservation, supports a deleterious effect; Has not been previously published as pathogenic or benign to our knowledge

NM_001375524.1(TRRAP):c.8993T>C (p.Ile2998Thr)

Gene: TRRAP (transformation/transcription domain associated protein; plus strand). Cytogenetic location: 7q22.1.
Variant type: single nucleotide variant.
Coding change: c.8993T>C on transcript NM_001375524.1 (MANE Select); coding-DNA position 8993, T replaced by C.
Protein change: p.Ile2998Thr; replaces isoleucine 2998 with threonine.
Molecular consequence: missense variant.
Genome position (GRCh38, 1-based): chr7:98,983,430, T>C. VCF-style: chr7-98983430-T-C. GRCh37 (hg19) VCF-style: chr7-98581053-T-C.
Other names: c.8972T>C, p.Ile2991Thr (NM_001244580.2); c.8918T>C, p.Ile2973Thr (NM_003496.4); short protein forms I2973T, I2991T, I2998T.
Identifiers: ClinVar variation 1208373 (VCV001208373.3), dbSNP rs2116762262, ClinGen allele CA368314215.